The following is an entry in ClinVar:

ClinVar aggregate classification (germline): Likely benign (0 of 4 stars; one submission).

Conditions:
F12-related disorder. Also called: F12-related disorders; F12-related condition. Identifiers: MedGen CN239389.

Submission:

PreventionGenetics, part of Exact Sciences
Classification: Likely benign for F12-related condition. Last evaluated: 2019-06-06. Review status: no assertion criteria provided. Collection method: clinical testing. Allele origin: germline.
Comment: This variant is classified as likely benign based on ACMG/AMP sequence variant interpretation guidelines (Richards et al. 2015 PMID: 25741868, with internal and published modifications).

NM_000505.4(F12):c.1251-5del

Gene: F12 (coagulation factor XII; minus strand). Cytogenetic location: 5q35.3.
Variant type: Deletion.
Coding change: c.1251-5del on transcript NM_000505.4 (MANE Select); 5 bases into the intron before coding-DNA position 1251, one base deleted (C; older notation c.1251-5delC).
Molecular consequence: intron variant.
Genome position (GRCh38, 1-based): chr5:177,403,622, G deleted on the plus strand (C on the coding strand, the reverse complement: F12 is on the minus strand); the first of 8 consecutive G bases (chr5:177,403,622-177,403,629); deleting any one gives the same sequence. VCF-style (leftmost placement, unchanged base first): chr5-177403621-CG-C. GRCh37 (hg19) VCF-style: chr5-176830622-CG-C.
Identifiers: ClinVar variation 3043999 (VCV003043999.2), dbSNP rs530070405, ClinGen allele CA3581211.